The following is an entry in ClinVar:

ClinVar aggregate classification (germline): Likely pathogenic (1 of 4 stars; one submission).

Conditions:
Cystic fibrosis (CF). Also called: MUCOVISCIDOSIS. Identifiers: Orphanet 586, MedGen C0010674, MONDO:0009061, OMIM 219700. Disease mechanism: loss of function.

Submission:

Myriad Genetics, Inc.
Classification: Likely pathogenic for Cystic fibrosis. Last evaluated: 2022-02-12. Review status: criteria provided, single submitter. Criteria: Myriad Women's Health Autosomal Recessive and X-Linked Classification Criteria (2021). Collection method: clinical testing. Allele origin: unknown.
Comment: NM_000492.3(CFTR):c.2379delA(V794Cfs*9) is expected to be pathogenic in the context of cystic fibrosis. This variant is predicted to lead to an abnormal or absent protein product due to the creation of a premature termination codon in CFTR, a gene where loss-of-function variants are known to be pathogenic. Please note: this variant was assessed in the context of healthy population screening.

NM_000492.4(CFTR):c.2379del (p.Val794fs)

Gene: CFTR (CF transmembrane conductance regulator; plus strand). Cytogenetic location: 7q31.2.
Variant type: Deletion.
Coding change: c.2379del on transcript NM_000492.4 (MANE Select); coding-DNA position 2379, one base deleted (A; older notation c.2379delA).
Protein change: p.Val794fs; shifts the reading frame from valine 794.
Molecular consequence: frameshift variant.
Genome position (GRCh38, 1-based): chr7:117,592,546, A deleted; the last of 4 consecutive A bases (chr7:117,592,543-117,592,546); deleting any one gives the same sequence. VCF-style (leftmost placement, unchanged base first): chr7-117592542-GA-G. GRCh37 (hg19) VCF-style: chr7-117232596-GA-G.
Other names: short protein forms V794fs.
Identifiers: ClinVar variation 1724398 (VCV001724398.2), dbSNP rs2485110638, ClinGen allele CA2580076555.